The following is an entry in ClinVar:

ClinVar aggregate classification (germline): Likely benign (1 of 4 stars; one submission).

gnomAD v4.1: 1 of 1,614,166 alleles (0.000062%); highest among the groups gnomAD compares: Non-Finnish European, 0.000085%; no homozygotes.

Submission:

CeGaT Center for Human Genetics Tuebingen
Classification: Likely benign. Last evaluated: 2025-03-01. Review status: criteria provided, single submitter. Criteria: CeGaT Center For Human Genetics Tuebingen Variant Classification Criteria Version 2. Collection method: clinical testing. Allele origin: germline. Affected: yes. Observed: 1 variant allele.
Comment: SH3PXD2B: BP4, BP7

NM_001017995.3(SH3PXD2B):c.1758A>G (p.Arg586=)

Gene: SH3PXD2B (SH3 and PX domains 2B; minus strand). Cytogenetic location: 5q35.1.
Variant type: single nucleotide variant.
Coding change: c.1758A>G on transcript NM_001017995.3 (MANE Select); coding-DNA position 1758, A replaced by G.
Protein change: p.Arg586=; no amino-acid change (arginine 586 retained).
Molecular consequence: synonymous variant. On other transcripts: intron variant (1).
Genome position (GRCh38, 1-based): chr5:172,339,347, T>C on the plus strand (A>G on the coding strand, the complement: SH3PXD2B is on the minus strand). VCF-style: chr5-172339347-T-C. GRCh37 (hg19) VCF-style: chr5-171766351-T-C.
Other names: c.1188+6789A>G (NM_001308175.2).
Identifiers: ClinVar variation 3778489 (VCV003778489.7).